The following is an entry in ClinVar:

NM_000143.4(FH):c.1236G>A (p.Met412Ile)

Gene: FH (fumarate hydratase; minus strand). Cytogenetic location: 1q43.
Variant type: single nucleotide variant.
Coding change: c.1236G>A on transcript NM_000143.4 (MANE Select); coding-DNA position 1236, G replaced by A.
Protein change: p.Met412Ile; replaces methionine 412 with isoleucine.
Molecular consequence: missense variant.
Genome position (GRCh38, 1-based): chr1:241,502,443, C>T on the plus strand (G>A on the coding strand, the complement: FH is on the minus strand). VCF-style: chr1-241502443-C-T. GRCh37 (hg19) VCF-style: chr1-241665743-C-T.
Other names: short protein forms M412I.
Identifiers: ClinVar variation 656363 (VCV000656363.9), dbSNP rs1573879248, ClinGen allele CA345437209.

ClinVar aggregate classification (germline): Uncertain significance (1 of 4 stars; one submission).

Submissions (2):

Labcorp Genetics (formerly Invitae), Labcorp
Classification: Uncertain significance. Last evaluated: 2018-11-04. Review status: criteria provided, single submitter. Criteria: Invitae Variant Classification Sherloc (09022015). Collection method: clinical testing. Allele origin: germline.
Comment: This variant has not been reported in the literature in individuals with FH-related disease. This sequence change replaces methionine with isoleucine at codon 412 of the FH protein (p.Met412Ile). The methionine residue is moderately conserved and there is a small physicochemical difference between methionine and isoleucine. This variant also falls at the last nucleotide of exon 8 of the FH coding sequence, which is part of the consensus splice site for this exon. This variant is not present in population databases (ExAC no frequency). Algorithms developed to predict the effect of missense changes on protein structure and function output the following: SIFT: "Tolerated"; PolyPhen-2: "Benign"; Align-GVGD: "Class C0". The isoleucine amino acid residue is found in multiple mammalian species, suggesting that this missense change does not adversely affect protein function. These predictions have not been confirmed by published functional studies and their clinical significance is uncertain. Nucleotide substitutions within the consensus splice site are a relatively common cause of aberrant splicing (PMID: 17576681, 9536098). Algorithms developed to predict the effect of sequence changes on RNA splicing suggest that this variant may disrupt the consensus splice site, but this prediction has not been confirmed by published transcriptional studies. In summary, the available evidence is currently insufficient to determine the role of this variant in disease. Therefore, it has been classified as a Variant of Uncertain Significance.

Blake Wilde Laboratory, Roswell Park Comprehensive Cancer Center
No classification provided (evidence only). Condition: Hereditary leiomyomatosis and renal cell cancer. Review status: no classification provided. Collection method: in vitro. Allele origin: not applicable. Functional consequence: functionally normal. Not counted in ClinVar's aggregate classification.

Literature cited by the submitters: PubMed 17576681 (cited by Labcorp Genetics (formerly Invitae), Labcorp); PubMed 9536098 (cited by Labcorp Genetics (formerly Invitae), Labcorp).